The following is an entry in ClinVar:

ClinVar aggregate classification (germline): Uncertain significance (1 of 4 stars; one submission).

Allele frequency attached by ClinVar (database versions not stated): gnomAD exomes below 0.00001.
gnomAD v4.1: 3 of 1,614,112 alleles (0.00019%); highest among the groups gnomAD compares: South Asian, 0.0022%; no homozygotes.

Submission:

Labcorp Genetics (formerly Invitae), Labcorp
Classification: Uncertain significance. Last evaluated: 2023-07-25. Review status: criteria provided, single submitter. Criteria: Invitae Variant Classification Sherloc (09022015). Collection method: clinical testing. Allele origin: germline.
Comment: This sequence change replaces valine, which is neutral and non-polar, with leucine, which is neutral and non-polar, at codon 131 of the PCGF2 protein (p.Val131Leu). In summary, the available evidence is currently insufficient to determine the role of this variant in disease. Therefore, it has been classified as a Variant of Uncertain Significance. Advanced modeling of protein sequence and biophysical properties (such as structural, functional, and spatial information, amino acid conservation, physicochemical variation, residue mobility, and thermodynamic stability) performed at Invitae indicates that this missense variant is not expected to disrupt PCGF2 protein function. This variant has not been reported in the literature in individuals affected with PCGF2-related conditions. This variant is not present in population databases (gnomAD no frequency).

NM_007144.3(PCGF2):c.391G>C (p.Val131Leu)

Gene: PCGF2 (polycomb group ring finger 2; minus strand). Cytogenetic location: 17q12.
Variant type: single nucleotide variant.
Coding change: c.391G>C on transcript NM_007144.3 (MANE Select); coding-DNA position 391, G replaced by C.
Protein change: p.Val131Leu; replaces valine 131 with leucine.
Molecular consequence: missense variant.
Genome position (GRCh38, 1-based): chr17:38,738,787, C>G on the plus strand (G>C on the coding strand, the complement: PCGF2 is on the minus strand). VCF-style: chr17-38738787-C-G. GRCh37 (hg19) VCF-style: chr17-36895040-C-G.
Other names: c.391G>C, p.Val131Leu (NM_001369614.1, NM_001369615.1); short protein forms V131L.
Identifiers: ClinVar variation 3004654 (VCV003004654.3), dbSNP rs2508683560, ClinGen allele CA398821960.